The following is an entry in ClinVar:

ClinVar aggregate classification (germline): Uncertain significance. Review status: criteria provided, multiple submitters, no conflicts (2 of 4 stars). 2 submissions from 2 submitters: Uncertain significance (2). Last evaluated 2024-04-25.

Conditions:
Marfan syndrome (MFS). Also called: MARFAN SYNDROME, TYPE I; Marfan syndrome type 1; Marfan's syndrome; Marfan syndrome, classic; FBN1-Related Marfan Syndrome. Identifiers: Orphanet 284963, Orphanet 558, MedGen C0024796, MONDO:0007947, OMIM 154700.
Familial thoracic aortic aneurysm and aortic dissection (TAAD). Also called: Thoracic aortic aneurysms and dissections. Identifiers: Orphanet 91387, MedGen C4707243, MONDO:0019625.

Allele frequency attached by ClinVar (database versions not stated): gnomAD exomes below 0.00001.
gnomAD v4.1: 2 of 1,614,170 alleles (0.00012%); highest among the groups gnomAD compares: Non-Finnish European, 0.000085%; no homozygotes.

Submissions (2):

All of Us Research Program, National Institutes of Health
Classification: Uncertain significance for Marfan syndrome. Last evaluated: 2024-04-25. Review status: criteria provided, single submitter. Criteria: ACMG Guidelines, 2015. Collection method: clinical testing. Allele origin: germline. Inheritance: Autosomal dominant inheritance. Observed: 2 variant alleles, 2 heterozygotes.
Comment: This missense variant replaces methionine with valine at codon 99 of the FBN1 protein. Computational prediction suggests that this variant may not impact protein structure and function (internally defined REVEL score threshold <= 0.5, PMID: 27666373). To our knowledge, functional studies have not been reported for this variant. This variant has not been reported in individuals affected with FBN1-related disorders in the literature. This variant has not been identified in the general population by the Genome Aggregation Database (gnomAD). The available evidence is insufficient to determine the role of this variant in disease conclusively. Therefore, this variant is classified as a Variant of Uncertain Significance.

This study involves interpretation of variants in research participants for the purpose of population health screening. Participant phenotype was not available at the time of variant classification. Additional details can be found in publication PMID: 35346344, PMCID: PMC8962531

Color Diagnostics, LLC DBA Color Health
Classification: Uncertain significance for Familial thoracic aortic aneurysm and aortic dissection. Last evaluated: 2023-07-20. Review status: criteria provided, single submitter. Criteria: ACMG Guidelines, 2015. Collection method: clinical testing. Allele origin: germline.
Comment: This missense variant replaces methionine with valine at codon 99 of the FBN1 protein. Computational prediction suggests that this variant may not impact protein structure and function. To our knowledge, functional studies have not been reported for this variant. This variant has not been reported in individuals affected with FBN1-related disorders in the literature. This variant has not been identified in the general population by the Genome Aggregation Database (gnomAD). The available evidence is insufficient to determine the role of this variant in disease conclusively. Therefore, this variant is classified as a Variant of Uncertain Significance.

NM_000138.5(FBN1):c.295A>G (p.Met99Val)

Gene: FBN1 (fibrillin 1; minus strand). Cytogenetic location: 15q21.1.
Variant type: single nucleotide variant.
Coding change: c.295A>G on transcript NM_000138.5 (MANE Select); coding-DNA position 295, A replaced by G.
Protein change: p.Met99Val; replaces methionine 99 with valine.
Molecular consequence: missense variant.
Genome position (GRCh38, 1-based): chr15:48,610,779, T>C on the plus strand (A>G on the coding strand, the complement: FBN1 is on the minus strand). VCF-style: chr15-48610779-T-C. GRCh37 (hg19) VCF-style: chr15-48902976-T-C.
Other names: c.295A>G, p.Met99Val (NM_001406716.1, NM_001406717.1); short protein forms M99V.
Identifiers: ClinVar variation 3072736 (VCV003072736.3), dbSNP rs2505775711, ClinGen allele CA392447006.
Genomic context (GRCh38, chr15:48,610,779, plus strand): 5'-TAGACTTACTGGATCTGGAGCCACAGGAAGGAGCTATCTGACCAGATGGGCAAGTGCACA[T>C]ATTTGGCCTCGAACAAAATCCATCCCCACAGGAATGCCGGCAAATGGCTGTGAATAAACC-3'
Protein context (NP_000129.3, residues 89-109): CGDGFCSRPN[Met99Val]CTCPSGQIAP